The following is an entry in ClinVar:

ClinVar aggregate classification (germline): Uncertain significance. Review status: criteria provided, multiple submitters, no conflicts (2 of 4 stars). 3 submissions from 3 submitters: Uncertain significance (3). Last evaluated 2025-06-12.

Conditions:
Dyskeratosis congenita. Identifiers: Orphanet 1775, MedGen C0265965, MONDO:0015780.

Allele frequency attached by ClinVar (database versions not stated): ExAC 0.00001; gnomAD exomes 0.00001 and 0.00002; TOPMed 0.00002.

Submissions (3):

Labcorp Genetics (formerly Invitae), Labcorp
Classification: Uncertain significance for Dyskeratosis congenita. Last evaluated: 2025-06-12. Review status: criteria provided, single submitter. Criteria: Invitae Variant Classification Sherloc (09022015). Collection method: clinical testing. Allele origin: germline.
Comment: This sequence change replaces aspartic acid, which is acidic and polar, with asparagine, which is neutral and polar, at codon 1135 of the CTC1 protein (p.Asp1135Asn). This variant is present in population databases (rs755212243, gnomAD 0.002%). This variant has not been reported in the literature in individuals affected with CTC1-related conditions. ClinVar contains an entry for this variant (Variation ID: 574896). An algorithm developed to predict the effect of missense changes on protein structure and function outputs the following: PolyPhen-2: "Benign". The asparagine amino acid residue is found in multiple mammalian species, which suggests that this missense change does not adversely affect protein function. In summary, the available evidence is currently insufficient to determine the role of this variant in disease. Therefore, it has been classified as a Variant of Uncertain Significance.

Mayo Clinic Laboratories, Mayo Clinic
Classification: Uncertain significance. Last evaluated: 2024-08-12. Review status: criteria provided, single submitter. Criteria: ACMG Guidelines, 2015. Collection method: clinical testing. Allele origin: germline. Observed: 1 variant allele.
Comment: BP4

Blueprint Genetics
Classification: Uncertain significance. Last evaluated: 2024-07-23. Review status: criteria provided, single submitter. Criteria: ACMG Guidelines, 2015. Collection method: clinical testing. Allele origin: germline.

NM_025099.6(CTC1):c.3403G>A (p.Asp1135Asn)

Gene: CTC1 (CST telomere replication complex component 1; minus strand). Cytogenetic location: 17p13.1.
Variant type: single nucleotide variant.
Coding change: c.3403G>A on transcript NM_025099.6 (MANE Select); coding-DNA position 3403, G replaced by A.
Protein change: p.Asp1135Asn; replaces aspartic acid 1135 with asparagine.
Molecular consequence: missense variant. On other transcripts: non-coding transcript variant (1).
Genome position (GRCh38, 1-based): chr17:8,228,614, C>T on the plus strand (G>A on the coding strand, the complement: CTC1 is on the minus strand). VCF-style: chr17-8228614-C-T. GRCh37 (hg19) VCF-style: chr17-8131932-C-T.
Other names: p.Asp1135Asn; short protein forms D1135N.
Identifiers: ClinVar variation 574896 (VCV000574896.12), dbSNP rs755212243, ClinGen allele CA8371781.